The following is an entry in ClinVar:

ClinVar aggregate classification (germline): Benign (1 of 4 stars; one submission).

Conditions:
Familial adenomatous polyposis 1 (FAP1). Also called: POLYPOSIS, ADENOMATOUS INTESTINAL; FAMILIAL ADENOMATOUS POLYPOSIS 1, ATTENUATED. Identifiers: MedGen C2713442, MONDO:0021056, OMIM 175100. Disease mechanism: loss of function.

Submission:

Myriad Genetics, Inc.
Classification: Benign for Familial adenomatous polyposis 1. Last evaluated: 2024-03-01. Review status: criteria provided, single submitter. Criteria: Myriad Autosomal Dominant, Autosomal Recessive and X-Linked Classification Criteria (2023). Collection method: clinical testing. Allele origin: unknown.
Comment: This variant is considered benign. This variant is a silent/synonymous amino acid change and it is not expected to impact splicing.

NM_000038.6(APC):c.1371A>T (p.Ser457=)

Gene: APC (APC regulator of Wnt signaling pathway; plus strand). Cytogenetic location: 5q22.2.
Variant type: single nucleotide variant.
Coding change: c.1371A>T on transcript NM_000038.6 (MANE Select); coding-DNA position 1371, A replaced by T.
Protein change: p.Ser457=; no amino-acid change (serine 457 retained).
Molecular consequence: synonymous variant. On other transcripts: non-coding transcript variant (2).
Genome position (GRCh38, 1-based): chr5:112,821,954, A>T. VCF-style: chr5-112821954-A-T. GRCh37 (hg19) VCF-style: chr5-112157651-A-T.
Other names: c.1068A>T, p.Ser356= (NM_001407454.1, NM_001407455.1, NM_001407457.1 and 5 more transcripts); c.1371A>T, p.Ser457= (NM_001127510.3, NM_001354895.2, NM_001354896.2 and 4 more transcripts); c.1317A>T, p.Ser439= (NM_001127511.3); c.1401A>T, p.Ser467= (NM_001354897.2, NM_001407446.1); c.1296A>T, p.Ser432= (NM_001354898.2, NM_001407451.1); c.1287A>T, p.Ser429= (NM_001354899.2, NM_001407452.1); c.1194A>T, p.Ser398= (NM_001354900.2, NM_001354901.2, NM_001407453.1); c.1098A>T, p.Ser366= (NM_001354902.2); and 5 more.
Identifiers: ClinVar variation 3148277 (VCV003148277.1), dbSNP rs1580542473, ClinGen allele CA445755869.